The following is an entry in ClinVar:

NM_144670.6(A2ML1):c.1248+80T>C

Gene: A2ML1 (alpha-2-macroglobulin like 1; plus strand). Cytogenetic location: 12p13.31.
Variant type: single nucleotide variant.
Coding change: c.1248+80T>C on transcript NM_144670.6 (MANE Select); 80 bases into the intron after coding-DNA position 1248, T replaced by C.
Molecular consequence: intron variant.
Genome position (GRCh38, 1-based): chr12:8,841,616, T>C. VCF-style: chr12-8841616-T-C. GRCh37 (hg19) VCF-style: chr12-8994212-T-C.
Identifiers: ClinVar variation 561520 (VCV000561520.2), dbSNP rs1468695, ClinGen allele CA16435673.
Genomic context (GRCh38, chr12:8,841,616, plus strand): 5'-CAGCTTCCTAGAAAGGAAGGCTTCCCTGAAGGAAAACTTCAGAATTTTCCTGTTTCCTAT[T>C]CTCCCCTCTGCTTGGAATTACATCTTTCTCACTCACAAGTCCTGCTCTCCCGTTGACAAA-3'

ClinVar aggregate classification (germline): Benign. Review status: criteria provided, multiple submitters, no conflicts (2 of 4 stars). 2 submissions from 2 submitters: Benign (2). Last evaluated 2018-06-14.

Allele frequency attached by ClinVar (database versions not stated): TOPMed 0.92399; 1000 Genomes Project 30x 0.92895; gnomAD 0.92975 and 0.93457; 1000 Genomes Project 0.93431; gnomAD exomes 0.99382.

Submissions (2):

GeneDx
Classification: Benign. Last evaluated: 2018-06-14. Review status: criteria provided, single submitter. Criteria: GeneDx Variant Classification (06012015). Collection method: clinical testing. Allele origin: germline. Affected: yes.
Comment: This variant is considered likely benign or benign based on one or more of the following criteria: it is a conservative change, it occurs at a poorly conserved position in the protein, it is predicted to be benign by multiple in silico algorithms, and/or has population frequency not consistent with disease.

Breakthrough Genomics
Classification: Benign. Review status: criteria provided, single submitter. Criteria: ACMG Guidelines, 2015. Collection method: not provided. Allele origin: germline. Inheritance: Autosomal dominant inheritance. Affected: yes.